The following is an entry in ClinVar:

ClinVar aggregate classification (germline): Uncertain significance (1 of 4 stars; one submission).

Submission:

Labcorp Genetics (formerly Invitae), Labcorp
Classification: Uncertain significance. Last evaluated: 2022-10-28. Review status: criteria provided, single submitter. Criteria: Invitae Variant Classification Sherloc (09022015). Collection method: clinical testing. Allele origin: germline.
Comment: In summary, the available evidence is currently insufficient to determine the role of this variant in disease. Therefore, it has been classified as a Variant of Uncertain Significance. Algorithms developed to predict the effect of missense changes on protein structure and function are either unavailable or do not agree on the potential impact of this missense change (SIFT: "Deleterious"; PolyPhen-2: "Probably Damaging"; Align-GVGD: "Class C0"). This variant has not been reported in the literature in individuals affected with CACNA1D-related conditions. This variant is not present in population databases (gnomAD no frequency). This sequence change replaces alanine, which is neutral and non-polar, with aspartic acid, which is acidic and polar, at codon 2111 of the CACNA1D protein (p.Ala2111Asp).

NM_001128840.3(CACNA1D):c.6272C>A (p.Ala2091Asp)

Gene: CACNA1D (calcium voltage-gated channel subunit alpha1 D; plus strand). Cytogenetic location: 3p21.1.
Variant type: single nucleotide variant.
Coding change: c.6272C>A on transcript NM_001128840.3 (MANE Select); coding-DNA position 6272, C replaced by A.
Protein change: p.Ala2091Asp; replaces alanine 2091 with aspartic acid.
Molecular consequence: missense variant.
Genome position (GRCh38, 1-based): chr3:53,811,192, C>A. VCF-style: chr3-53811192-C-A. GRCh37 (hg19) VCF-style: chr3-53845219-C-A.
Other names: c.6332C>A, p.Ala2111Asp (NM_000720.4); c.6200C>A, p.Ala2067Asp (NM_001128839.3); short protein forms A2091D, A2067D, A2111D.
Identifiers: ClinVar variation 2887862 (VCV002887862.3), dbSNP rs2095599210, ClinGen allele CA353259135.